The following is an entry in ClinVar:

NM_005431.2(XRCC2):c.736G>T (p.Asp246Tyr)

Gene: XRCC2 (X-ray repair cross complementing 2; minus strand). Cytogenetic location: 7q36.1.
Variant type: single nucleotide variant.
Coding change: c.736G>T on transcript NM_005431.2 (MANE Select); coding-DNA position 736, G replaced by T.
Protein change: p.Asp246Tyr; replaces aspartic acid 246 with tyrosine.
Molecular consequence: missense variant.
Genome position (GRCh38, 1-based): chr7:152,648,749, C>A on the plus strand (G>T on the coding strand, the complement: XRCC2 is on the minus strand). VCF-style: chr7-152648749-C-A. GRCh37 (hg19) VCF-style: chr7-152345834-C-A.
Other names: short protein forms D246Y.
Identifiers: ClinVar variation 3471456 (VCV003471456.1).

ClinVar aggregate classification (germline): Uncertain significance (1 of 4 stars; one submission).

Conditions:
Hereditary cancer-predisposing syndrome. Also called: Tumor predisposition; Neoplastic Syndromes, Hereditary; Hereditary neoplastic syndrome; Hereditary Cancer Syndrome. Identifiers: Orphanet 140162, MedGen C0027672, MeSH D009386, MONDO:0015356.

Submission:

Ambry Genetics
Classification: Uncertain significance for Hereditary cancer-predisposing syndrome. Last evaluated: 2024-06-30. Review status: criteria provided, single submitter. Criteria: Ambry Variant Classification Scheme 2023. Collection method: clinical testing. Allele origin: germline.
Comment: The p.D246Y variant (also known as c.736G>T), located in coding exon 3 of the XRCC2 gene, results from a G to T substitution at nucleotide position 736. The aspartic acid at codon 246 is replaced by tyrosine, an amino acid with highly dissimilar properties. This amino acid position is conserved. In addition, this alteration is predicted to be tolerated by in silico analysis. Based on the available evidence, the clinical significance of this variant remains unclear.